The following is an entry in ClinVar:

NM_006231.4(POLE):c.4480C>G (p.Gln1494Glu)

Gene: POLE (DNA polymerase epsilon, catalytic subunit; minus strand). Cytogenetic location: 12q24.33.
Variant type: single nucleotide variant.
Coding change: c.4480C>G on transcript NM_006231.4 (MANE Select); coding-DNA position 4480, C replaced by G.
Protein change: p.Gln1494Glu; replaces glutamine 1494 with glutamic acid.
Molecular consequence: missense variant.
Genome position (GRCh38, 1-based): chr12:132,643,295, G>C on the plus strand (C>G on the coding strand, the complement: POLE is on the minus strand). VCF-style: chr12-132643295-G-C. GRCh37 (hg19) VCF-style: chr12-133219881-G-C.
Other names: short protein forms Q1494E.
Identifiers: ClinVar variation 540771 (VCV000540771.26), dbSNP rs1443837551, ClinGen allele CA387380671.

ClinVar aggregate classification (germline): Uncertain significance. Review status: criteria provided, multiple submitters, no conflicts (2 of 4 stars). 4 submissions from 4 submitters: Uncertain significance (4). Last evaluated 2025-12-15.

Conditions:
Hereditary cancer-predisposing syndrome. Also called: Tumor predisposition; Hereditary Cancer Syndrome; Neoplastic Syndromes, Hereditary; Hereditary neoplastic syndrome. Identifiers: Orphanet 140162, MedGen C0027672, MeSH D009386, MONDO:0015356.

Allele frequency attached by ClinVar (database versions not stated): gnomAD exomes below 0.00001 and 0.00001; gnomAD 0.00001; TOPMed 0.00001.
gnomAD v4.1: 14 of 1,613,896 alleles (0.00087%); highest among the groups gnomAD compares: Non-Finnish European, 0.0012%; no homozygotes.

Submissions (4):

Ambry Genetics
Classification: Uncertain significance for Hereditary cancer-predisposing syndrome. Last evaluated: 2025-12-15. Review status: criteria provided, single submitter. Criteria: Ambry Variant Classification Scheme 2023. Collection method: clinical testing. Allele origin: germline.

Labcorp Genetics (formerly Invitae), Labcorp
Classification: Uncertain significance. Last evaluated: 2025-12-13. Review status: criteria provided, single submitter. Criteria: Invitae Variant Classification Sherloc (09022015). Collection method: clinical testing. Allele origin: germline.
Comment: This sequence change replaces glutamine, which is neutral and polar, with glutamic acid, which is acidic and polar, at codon 1494 of the POLE protein (p.Gln1494Glu). This variant is present in population databases (no rsID available, gnomAD 0.0009%). This variant has not been reported in the literature in individuals affected with POLE-related conditions. ClinVar contains an entry for this variant (Variation ID: 540771). Invitae Evidence Modeling of protein sequence and biophysical properties (such as structural, functional, and spatial information, amino acid conservation, physicochemical variation, residue mobility, and thermodynamic stability) indicates that this missense variant is not expected to disrupt POLE protein function with a negative predictive value of 80%. RNA analysis performed to evaluate the impact of this missense change on mRNA splicing indicates it does not significantly alter splicing (internal data). In summary, the available evidence is currently insufficient to determine the role of this variant in disease. Therefore, it has been classified as a Variant of Uncertain Significance.

GeneDx
Classification: Uncertain significance. Last evaluated: 2023-04-14. Review status: criteria provided, single submitter. Criteria: GeneDx Variant Classification Process June 2021. Collection method: clinical testing. Allele origin: germline. Affected: yes.
Comment: Not observed at significant frequency in large population cohorts (gnomAD); In silico analysis supports that this missense variant does not alter protein structure/function; Has not been previously published as pathogenic or benign to our knowledge; This variant is associated with the following publications: (PMID: 29056344)

Mendelics
Classification: Uncertain significance. Last evaluated: 2022-05-04. Review status: criteria provided, single submitter. Criteria: Mendelics Assertion Criteria 2019. Collection method: clinical testing. Allele origin: germline.